The following is an entry in ClinVar:

ClinVar aggregate classification (germline): Pathogenic (1 of 4 stars; one submission).

Conditions:
Androgen resistance syndrome (AIS). Also called: ANDROGEN RECEPTOR DEFICIENCY; DIHYDROTESTOSTERONE RECEPTOR DEFICIENCY; TESTICULAR FEMINIZATION SYNDROME; DHTR DEFICIENCY; Androgen insensitivity syndrome; Androgen insensitivity. Identifiers: Orphanet 754, Orphanet 99429, MedGen C0039585, MONDO:0019154, OMIM 300068. Disease mechanism: loss of function.
Kennedy disease (SMAX1). Also called: SPINAL AND BULBAR MUSCULAR ATROPHY, X-LINKED 1; KENNEDY SPINAL AND BULBAR MUSCULAR ATROPHY; Spinal and Bulbar Muscular Atrophy. Identifiers: Orphanet 481, MedGen C1839259, MONDO:0010735, OMIM 313200.

Submission:

Labcorp Genetics (formerly Invitae), Labcorp
Classification: Pathogenic for Kennedy disease; Androgen resistance syndrome. Last evaluated: 2025-05-27. Review status: criteria provided, single submitter. Criteria: Invitae Variant Classification Sherloc (09022015). Collection method: clinical testing. Allele origin: germline.
Comment: This sequence change creates a premature translational stop signal (p.Tyr348*) in the AR gene. It is expected to result in an absent or disrupted protein product. Loss-of-function variants in AR are known to be pathogenic (PMID: 19463997). This variant is not present in population databases (gnomAD no frequency). This variant has not been reported in the literature in individuals affected with AR-related conditions. For these reasons, this variant has been classified as Pathogenic.

Literature cited by the submitters: PubMed 19463997.

NM_000044.6(AR):c.1044C>A (p.Tyr348Ter)

Gene: AR (androgen receptor; plus strand). Cytogenetic location: Xq12.
Variant type: single nucleotide variant.
Coding change: c.1044C>A on transcript NM_000044.6 (MANE Select); coding-DNA position 1044, C replaced by A.
Protein change: p.Tyr348Ter; replaces tyrosine 348 with a stop codon.
Molecular consequence: nonsense. On other transcripts: 5 prime UTR variant (1).
Genome position (GRCh38, 1-based): chrX:67,546,190, C>A. VCF-style: chrX-67546190-C-A. GRCh37 (hg19) VCF-style: chrX-66766032-C-A.
Other names: c.-740C>A (NM_001011645.3); c.1044C>A, p.Tyr348Ter (NM_001348061.1, NM_001348063.1, NM_001348064.1); short protein forms Y348*.
Identifiers: ClinVar variation 4785125 (VCV004785125.1).